The following is an entry in ClinVar:

ClinVar aggregate classification (germline): Likely benign. Review status: criteria provided, multiple submitters, no conflicts (2 of 4 stars). 2 submissions from 2 submitters: Likely benign (2). Last evaluated 2025-08-01.

Conditions:
Frasier syndrome. Identifiers: Orphanet 347, MedGen C0950122, MeSH D052159, MONDO:0007635, OMIM 136680.
Drash syndrome (DDS). Also called: NEPHROPATHY, WILMS TUMOR, AND GENITAL ANOMALIES; WILMS TUMOR AND PSEUDO- OR TRUE HERMAPHRODITISM. Identifiers: Orphanet 220, MedGen C0950121, MONDO:0008682, OMIM 194080.
Wilms tumor 1 (WT1). Also called: Wilms tumor, somatic. Identifiers: Orphanet 654, MedGen CN033288, MONDO:0008679, OMIM 194070.
11p partial monosomy syndrome (WAGR). Also called: CHROMOSOME 11p13 DELETION SYNDROME; WAGR syndrome; WAGR Spectrum Disorder; WAGR Complex. Identifiers: Orphanet 893, MedGen C0206115, MONDO:0008681, OMIM 194072.

Allele frequency attached by ClinVar (database versions not stated): gnomAD 0.00001; ExAC 0.00015; 1000 Genomes Project 30x 0.00031.
gnomAD v4.1: 6 of 1,503,678 alleles (0.0004%); highest among the groups gnomAD compares: South Asian, 0.0074%; no homozygotes.

Submissions (2):

CeGaT Center for Human Genetics Tuebingen
Classification: Likely benign. Last evaluated: 2025-08-01. Review status: criteria provided, single submitter. Criteria: CeGaT Center For Human Genetics Tuebingen Variant Classification Criteria Version 2. Collection method: clinical testing. Allele origin: germline. Affected: yes. Observed: 1 variant allele.
Comment: WT1: BP4, BP7

Labcorp Genetics (formerly Invitae), Labcorp
Classification: Likely benign for Wilms tumor 1; Drash syndrome; 11p partial monosomy syndrome; Frasier syndrome. Last evaluated: 2023-11-28. Review status: criteria provided, single submitter. Criteria: Invitae Variant Classification Sherloc (09022015). Collection method: clinical testing. Allele origin: germline.

NM_024426.6(WT1):c.270C>G (p.Ser90=)

Genes: WT1 (WT1 transcription factor; minus strand), LOC107982234 (WT1/WT1-AS bi-directional promoter region; plus strand). Cytogenetic location: 11p13.
Variant type: single nucleotide variant.
Coding change: c.270C>G on transcript NM_024426.6 (MANE Select); coding-DNA position 270, C replaced by G.
Protein change: p.Ser90=; no amino-acid change (serine 90 retained).
Molecular consequence: synonymous variant. On other transcripts: non-coding transcript variant (2).
Genome position (GRCh38, 1-based): chr11:32,435,091, G>C on the plus strand (C>G on the coding strand, the complement: WT1 is on the minus strand). VCF-style: chr11-32435091-G-C. GRCh37 (hg19) VCF-style: chr11-32456637-G-C.
Other names: c.270C>G, p.Ser90= (NM_000378.6, NM_001407044.1, NM_001407045.1 and 6 more transcripts); c.255C>G, p.Ser85= (NM_024425.2).
Identifiers: ClinVar variation 2923729 (VCV002923729.11), dbSNP rs766441234, ClinGen allele CA064793.